The following is an entry in ClinVar:

ClinVar aggregate classification (germline): Benign/Likely benign. Review status: criteria provided, multiple submitters, no conflicts (2 of 4 stars). 8 submissions from 5 submitters: Benign (5); Likely benign (2). 1 of the submissions does not count toward it. Last evaluated 2025-12-29.

Conditions:
Myopathy, myofibrillar, 9, with early respiratory failure (MFM9). Also called: EDSTROM MYOPATHY; MYOPATHY, PROXIMAL, WITH EARLY RESPIRATORY MUSCLE INVOLVEMENT; Hereditary myopathy with early respiratory failure; Myopathy, distal, with early respiratory failure, autosomal dominant. Identifiers: Orphanet 178464, Orphanet 34521, MedGen C1863599, MONDO:0011362, OMIM 603689.
Tibial muscular dystrophy (TMD). Also called: UDD MYOPATHY; Tibial muscular dystrophy, tardive; Udd Distal Myopathy – Tibial Muscular Dystrophy. Identifiers: Orphanet 609, MedGen C1838244, MONDO:0010870, OMIM 600334.
TTN-related disorder. Also called: TTN-related disorders; TTN-related condition; TTN-related disease.
Autosomal recessive limb-girdle muscular dystrophy type 2J (LGMDR10). Also called: Limb-girdle muscular dystrophy, type 2J; MUSCULAR DYSTROPHY, LIMB-GIRDLE, AUTOSOMAL RECESSIVE 10. Identifiers: Orphanet 140922, MedGen C1837342, MONDO:0012127, OMIM 608807.
Dilated cardiomyopathy 1G (CMD1G). Identifiers: Orphanet 154, MedGen C1858763, MONDO:0011400, OMIM 604145.
Hypertrophic cardiomyopathy 9. Also called: Familial hypertrophic cardiomyopathy 9. Identifiers: MedGen C1861065, MONDO:0013412, OMIM 613765.
Early-onset myopathy with fatal cardiomyopathy (CMYO5). Also called: Salih Myopathy; CONGENITAL MYOPATHY 5 WITH CARDIOMYOPATHY. Identifiers: Orphanet 289377, MedGen C2673677, MONDO:0012714, OMIM 611705. Disease mechanism: loss of function.

Allele frequency attached by ClinVar (database versions not stated): gnomAD 0.00010 and 0.00013; ExAC 0.00024; gnomAD exomes 0.00026; TOPMed 0.00027; 1000 Genomes Project 0.00060; 1000 Genomes Project 30x 0.00062.
gnomAD v4.1: 89 of 1,547,460 alleles (0.0058%); highest among the groups gnomAD compares: East Asian, 0.15%; no homozygotes.

Submissions (8):

Labcorp Genetics (formerly Invitae), Labcorp
Classification: Likely benign for Dilated cardiomyopathy 1G; Autosomal recessive limb-girdle muscular dystrophy type 2J. Last evaluated: 2025-12-29. Review status: criteria provided, single submitter. Criteria: Invitae Variant Classification Sherloc (09022015). Collection method: clinical testing. Allele origin: germline.

Fulgent Genetics
Classification: Likely benign for Tibial muscular dystrophy; Myopathy, myofibrillar, 9, with early respiratory failure; Dilated cardiomyopathy 1G; Autosomal recessive limb-girdle muscular dystrophy type 2J; Early-onset myopathy with fatal cardiomyopathy; Hypertrophic cardiomyopathy 9. Last evaluated: 2021-09-20. Review status: criteria provided, single submitter. Criteria: ACMG Guidelines, 2015. Collection method: clinical testing. Allele origin: unknown.

Genome-Nilou Lab
Classification: Benign for Autosomal recessive limb-girdle muscular dystrophy type 2J. Last evaluated: 2021-09-10. Review status: criteria provided, single submitter. Criteria: ACMG Guidelines, 2015. Collection method: clinical testing. Allele origin: germline. Affected: no.

Genome-Nilou Lab
Classification: Benign for Myopathy, myofibrillar, 9, with early respiratory failure. Last evaluated: 2021-09-10. Review status: criteria provided, single submitter. Criteria: ACMG Guidelines, 2015. Collection method: clinical testing. Allele origin: germline. Affected: no.

Genome-Nilou Lab
Classification: Benign for Early-onset myopathy with fatal cardiomyopathy. Last evaluated: 2021-09-10. Review status: criteria provided, single submitter. Criteria: ACMG Guidelines, 2015. Collection method: clinical testing. Allele origin: germline. Affected: no.

Genome-Nilou Lab
Classification: Benign for Tibial muscular dystrophy. Last evaluated: 2021-09-10. Review status: criteria provided, single submitter. Criteria: ACMG Guidelines, 2015. Collection method: clinical testing. Allele origin: germline. Affected: no.

Athena Diagnostics
Classification: Benign. Last evaluated: 2018-05-23. Review status: criteria provided, single submitter. Criteria: Athena Diagnostics Criteria. Collection method: clinical testing. Allele origin: germline.

PreventionGenetics, part of Exact Sciences
Classification: Likely benign for TTN-related condition. Last evaluated: 2024-05-20. Review status: no assertion criteria provided. Collection method: clinical testing. Allele origin: germline. Not counted in ClinVar's aggregate classification.
Comment: This variant is classified as likely benign based on ACMG/AMP sequence variant interpretation guidelines (Richards et al. 2015 PMID: 25741868, with internal and published modifications).

NM_001267550.2(TTN):c.40250C>T (p.Pro13417Leu)

Gene: TTN (titin; minus strand). Cytogenetic location: 2q31.2.
Variant type: single nucleotide variant.
Coding change: c.40250C>T on transcript NM_001267550.2 (MANE Select); coding-DNA position 40250, C replaced by T.
Protein change: p.Pro13417Leu; replaces proline 13417 with leucine.
Molecular consequence: missense variant. On other transcripts: intron variant (5).
Genome position (GRCh38, 1-based): chr2:178,646,532, G>A on the plus strand (C>T on the coding strand, the complement: TTN is on the minus strand). VCF-style: chr2-178646532-G-A. GRCh37 (hg19) VCF-style: chr2-179511259-G-A.
Other names: c.40250C>T (LRG_391t1); c.13283-4215C>T (NM_003319.4); c.13859-4215C>T (NM_133437.4); c.13658-4215C>T (NM_133432.3); c.32594-502C>T (NM_133378.4); c.35375-502C>T (NM_001256850.1); short protein forms P13417L.
Identifiers: ClinVar variation 467121 (VCV000467121.17), dbSNP rs537578226, ClinGen allele CA1996524.
Genomic context (GRCh38, chr2:178,646,532, plus strand): 5'-CTGGATTGAATACCTTTTACTGGTATTTCTTCAGGCTGTGGTTCAGGTTCGGGCTCTTCA[G>A]GTTTAATATACTTTTCAATTTCACGTTCTTTAAAGAATGTTGACAAAGGAGATGAGGTTG-3'
Protein context (NP_001254479.2, residues 13407-13427): EEREIEKYIK[Pro13417Leu]EEPEPEPQPE